The following is an entry in ClinVar:

ClinVar aggregate classification (germline): Uncertain significance. Review status: criteria provided, multiple submitters, no conflicts (2 of 4 stars). 3 submissions from 3 submitters: Uncertain significance (3). Last evaluated 2025-11-26.

Conditions:
Malignant hyperthermia, susceptibility to, 1 (MHS1). Also called: RYR1-Related Malignant Hyperthermia Susceptibility; Malignant hyperthermia suceptibility 1; Anesthesia related hyperthermia; Malignant hyperpyrexia; Fulminating hyperpyrexia; Pharmacogenic myopathy. Identifiers: Orphanet 423, MedGen C2930980, MONDO:0007783, OMIM 145600.
RYR1-related disorder. Also called: RYR1-related condition; RYR1-related disorders. Identifiers: MedGen CN239331.
Inborn genetic diseases. Identifiers: MedGen C0950123, MeSH D030342.

Allele frequency attached by ClinVar (database versions not stated): gnomAD exomes below 0.00001; ExAC 0.00001.
gnomAD v4.1: 6 of 1,601,648 alleles (0.00037%); highest among the groups gnomAD compares: East Asian, 0.0022%; no homozygotes.

Submissions (3):

Ambry Genetics
Classification: Uncertain significance for Inborn genetic diseases. Last evaluated: 2025-11-26. Review status: criteria provided, single submitter. Criteria: Ambry Variant Classification Scheme 2023. Collection method: clinical testing. Allele origin: germline.

All of Us Research Program, National Institutes of Health
Classification: Uncertain significance for Malignant hyperthermia, susceptibility to, 1. Last evaluated: 2024-01-11. Review status: criteria provided, single submitter. Criteria: ACMG Guidelines, 2015. Collection method: clinical testing. Allele origin: germline. Inheritance: Autosomal dominant inheritance. Observed: 1 variant allele, 1 heterozygote.
Comment: This study involves interpretation of variants in research participants for the purpose of population health screening. Participant phenotype was not available at the time of variant classification. Additional details can be found in publication PMID: 35346344, PMCID: PMC8962531

Labcorp Genetics (formerly Invitae), Labcorp
Classification: Uncertain significance for RYR1-related disorder. Last evaluated: 2022-02-03. Review status: criteria provided, single submitter. Criteria: Invitae Variant Classification Sherloc (09022015). Collection method: clinical testing. Allele origin: germline.
Comment: This sequence change replaces arginine, which is basic and polar, with glutamine, which is neutral and polar, at codon 2369 of the RYR1 protein (p.Arg2369Gln). The frequency data for this variant in the population databases is considered unreliable, as metrics indicate poor data quality at this position in the gnomAD database. This variant has not been reported in the literature in individuals affected with RYR1-related conditions. ClinVar contains an entry for this variant (Variation ID: 1035323). Algorithms developed to predict the effect of missense changes on protein structure and function are either unavailable or do not agree on the potential impact of this missense change (SIFT: "Deleterious"; PolyPhen-2: "Benign"; Align-GVGD: "Class C0"). Algorithms developed to predict the effect of sequence changes on RNA splicing suggest that this variant may create or strengthen a splice site. In summary, the available evidence is currently insufficient to determine the role of this variant in disease. Therefore, it has been classified as a Variant of Uncertain Significance.

NM_000540.3(RYR1):c.7106G>A (p.Arg2369Gln)

Gene: RYR1 (ryanodine receptor 1; plus strand). Cytogenetic location: 19q13.2.
Variant type: single nucleotide variant.
Coding change: c.7106G>A on transcript NM_000540.3 (MANE Select); coding-DNA position 7106, G replaced by A.
Protein change: p.Arg2369Gln; replaces arginine 2369 with glutamine.
Molecular consequence: missense variant.
Genome position (GRCh38, 1-based): chr19:38,499,713, G>A. VCF-style: chr19-38499713-G-A. GRCh37 (hg19) VCF-style: chr19-38990353-G-A.
Other names: c.7106G>A (NM_000540.2); c.7106G>A, p.Arg2369Gln (NM_001042723.2); short protein forms R2369Q.
Identifiers: ClinVar variation 1035323 (VCV001035323.7), dbSNP rs777966555, ClinGen allele CA069158.